The following is an entry in ClinVar:

NC_000002.12:g.219234131AGA[2]

Gene: ANKZF1 (ankyrin repeat and zinc finger peptidyl tRNA hydrolase 1; plus strand). Cytogenetic location: 2q35.
Variant type: Microsatellite.
Genome position: GRCh38 VCF-style: chr2-219234130-CAGA-C. GRCh37 (hg19) VCF-style: chr2-220098852-CAGA-C.
Identifiers: ClinVar variation 3606474 (VCV003606474.2).
Genomic context (GRCh38, chr2:219,234,130, plus strand): 5'-GAGAGAAACCTGCGCTAGCTTCTCCTCAGCTAAGGTTGAGAAAGATCTTTTCTTTTATGG[CAGA>C]AGAAGACCCTCGGGAAGCAGTCAGACTGCACTCACCTCAGACACACTGGAAAACAGTAAG-3'

ClinVar aggregate classification (germline): Uncertain significance (1 of 4 stars; one submission).

Submission:

Labcorp Genetics (formerly Invitae), Labcorp
Classification: Uncertain significance. Last evaluated: 2025-12-03. Review status: criteria provided, single submitter. Criteria: Invitae Variant Classification Sherloc (09022015). Collection method: clinical testing. Allele origin: germline.
Comment: This variant, c.1053_1055del, results in the deletion of 1 amino acid(s) of the ANKZF1 protein (p.Glu351del), but otherwise preserves the integrity of the reading frame. This variant is present in population databases (no rsID available, gnomAD 0.02%). This variant has not been reported in the literature in individuals affected with ANKZF1-related conditions. Algorithms developed to predict the effect of sequence changes on RNA splicing suggest that this variant may disrupt the consensus splice site. In summary, the available evidence is currently insufficient to determine the role of this variant in disease. Therefore, it has been classified as a Variant of Uncertain Significance.